The following is an entry in ClinVar:

ClinVar aggregate classification (germline): Uncertain significance (1 of 4 stars; one submission).

Allele frequency attached by ClinVar (database versions not stated): TOPMed 0.00002; gnomAD 0.00001.

Submission:

Labcorp Genetics (formerly Invitae), Labcorp
Classification: Uncertain significance. Last evaluated: 2022-04-16. Review status: criteria provided, single submitter. Criteria: Invitae Variant Classification Sherloc (09022015). Collection method: clinical testing. Allele origin: germline.
Comment: In summary, the available evidence is currently insufficient to determine the role of this variant in disease. Therefore, it has been classified as a Variant of Uncertain Significance. Algorithms developed to predict the effect of missense changes on protein structure and function (SIFT, PolyPhen-2, Align-GVGD) all suggest that this variant is likely to be disruptive. This variant has not been reported in the literature in individuals affected with ZNF335-related conditions. This variant is present in population databases (no rsID available, gnomAD 0.003%). This sequence change replaces leucine, which is neutral and non-polar, with proline, which is neutral and non-polar, at codon 871 of the ZNF335 protein (p.Leu871Pro).

NM_022095.4(ZNF335):c.2612T>C (p.Leu871Pro)

Gene: ZNF335 (zinc finger protein 335; minus strand). Cytogenetic location: 20q13.12.
Variant type: single nucleotide variant.
Coding change: c.2612T>C on transcript NM_022095.4 (MANE Select); coding-DNA position 2612, T replaced by C.
Protein change: p.Leu871Pro; replaces leucine 871 with proline.
Molecular consequence: missense variant.
Genome position (GRCh38, 1-based): chr20:45,953,779, A>G on the plus strand (T>C on the coding strand, the complement: ZNF335 is on the minus strand). VCF-style: chr20-45953779-A-G. GRCh37 (hg19) VCF-style: chr20-44582418-A-G.
Other names: short protein forms L871P.
Identifiers: ClinVar variation 2059788 (VCV002059788.4), dbSNP rs904756875, ClinGen allele CA315648904.
Genomic context (GRCh38, chr20:45,953,779, plus strand): 5'-TCCTCCATAGGGGGTGCTGTGATGACACTGTAGCCAGTCCCACCAAATGGACCAGGTGCC[A>G]GGGTGATCTGCGGTAGGTCAGGAGGGCCTAGCTGGCTCTCGGCTGCTGCACCGCCCCCTG-3'
Protein context (NP_071378.1, residues 861-881): LGPPDLPQIT[Leu871Pro]APGPFGGTGY